The following is an entry in ClinVar:

NM_004646.4(NPHS1):c.3213del (p.Leu1072fs)

Gene: NPHS1 (NPHS1 adhesion molecule, nephrin; minus strand). Cytogenetic location: 19q13.12.
Variant type: Deletion.
Coding change: c.3213del on transcript NM_004646.4 (MANE Select); coding-DNA position 3213, one base deleted (G; older notation c.3213delG).
Protein change: p.Leu1072fs; shifts the reading frame from leucine 1072.
Molecular consequence: frameshift variant.
Genome position (GRCh38, 1-based): chr19:35,831,716, C deleted on the plus strand (G on the coding strand, the reverse complement: NPHS1 is on the minus strand); the first of 6 consecutive C bases (chr19:35,831,716-35,831,721); deleting any one gives the same sequence. VCF-style (leftmost placement, unchanged base first): chr19-35831715-GC-G. GRCh37 (hg19) VCF-style: chr19-36322617-GC-G.
Other names: c.3213delG (NM_004646.3); c.3213del (NM_004646.3); short protein forms L1072fs.
Identifiers: ClinVar variation 1074718 (VCV001074718.17), dbSNP rs1420623853, ClinGen allele CA632775517.

ClinVar aggregate classification (germline): Pathogenic. Review status: criteria provided, multiple submitters, no conflicts (2 of 4 stars). 6 submissions from 6 submitters: Pathogenic (6). Last evaluated 2025-12-28.

Conditions:
NPHS1-related disorder. Also called: NPHS1-related condition.
Finnish congenital nephrotic syndrome (NPHS1). Also called: NEPHROTIC SYNDROME, TYPE 1. Identifiers: Orphanet 839, MedGen C0403399, MONDO:0009732, OMIM 256300.
Inborn genetic diseases. Identifiers: MedGen C0950123, MeSH D030342.

Submissions (6):

Labcorp Genetics (formerly Invitae), Labcorp
Classification: Pathogenic. Last evaluated: 2025-12-28. Review status: criteria provided, single submitter. Criteria: Invitae Variant Classification Sherloc (09022015). Collection method: clinical testing. Allele origin: germline.
Comment: This sequence change creates a premature translational stop signal (p.Leu1072Phefs*71) in the NPHS1 gene. It is expected to result in an absent or disrupted protein product. Loss-of-function variants in NPHS1 are known to be pathogenic (PMID: 11317351, 11854170, 12039988). This variant is not present in population databases (gnomAD no frequency). This premature translational stop signal has been observed in individual(s) with congenital nephrotic symdrome (PMID: 30594156). ClinVar contains an entry for this variant (Variation ID: 1074718). For these reasons, this variant has been classified as Pathogenic.

GeneDx
Classification: Pathogenic. Last evaluated: 2025-03-12. Review status: criteria provided, single submitter. Criteria: GeneDx Variant Classification Process June 2021. Collection method: clinical testing. Allele origin: germline. Affected: yes.
Comment: Frameshift variant predicted to result in protein truncation or nonsense mediated decay in a gene for which loss of function is a known mechanism of disease; Not observed at significant frequency in large population cohorts (gnomAD); This variant is associated with the following publications: (PMID: 35755072, 30594156, 34859019, 38322629)

PreventionGenetics, part of Exact Sciences
Classification: Pathogenic for NPHS1-related condition. Last evaluated: 2025-01-29. Review status: criteria provided, single submitter. Criteria: ACMG Guidelines, 2015. Collection method: clinical testing. Allele origin: germline.
Comment: The NPHS1 c.3213delG variant is predicted to result in a frameshift and premature protein termination (p.Leu1072Phefs*71). This variant has been reported with other NPHS1 pathogenic variants in patients with nephrotic syndrome (see for example, Li et al. 2018. PubMed ID: 30594156; Rong et al. 2021. PubMed ID: 34859019; Supplementary Table 1, Zhu et al. 2022. PubMed ID: 35755072). This variant has not been reported in a large population database (gnomAD), indicating this variant is rare. Frameshift variants in NPHS1 are expected to be pathogenic. This variant is interpreted as pathogenic.

Natera, Inc.
Classification: Pathogenic for Finnish congenital nephrotic syndrome. Last evaluated: 2024-07-02. Review status: criteria provided, single submitter. Criteria: Natera Variant Classification Schema (03/2026). Collection method: clinical testing. Allele origin: germline.
Comment: The c.3213delG variant in NPHS1 is a frameshift variant predicted to shift the reading frame beginning at codon 1072 and leads to a stop codon 71 codons downstream. This variant is expected to result in nonsense mediated decay, truncation, or a dysfunctional protein product. This variant is rare in the general population with a frequency below the threshold expected for the associated phenotype(s). This variant has been observed in one or more individuals affected with the associated recessive disease, as either homozygous or compound heterozygous with a second variant (PMID: 30594156, 34247820). Given the available evidence, this variant is classified as Pathogenic.

Ambry Genetics
Classification: Pathogenic for Inborn genetic diseases. Last evaluated: 2023-06-30. Review status: criteria provided, single submitter. Criteria: Ambry Variant Classification Scheme 2023. Collection method: clinical testing. Allele origin: germline.
Comment: The c.3213delG (p.L1072Ffs*71) alteration, located in exon 24 (coding exon 24) of the NPHS1 gene, consists of a deletion of one nucleotide at position 3213, causing a translational frameshift with a predicted alternate stop codon after 71 amino acids. This alteration is expected to result in loss of function by premature protein truncation or nonsense-mediated mRNA decay. This variant was not reported in population-based cohorts in the Genome Aggregation Database (gnomAD). This variant has been reported to be compound heterozygous with other NPHS1 variants in individuals with features consistent with NPHS1-related nephrotic syndrome (Li, 2018; Gu, 2021; Rong, 2021). Based on the available evidence, this alteration is classified as pathogenic.

Juno Genomics, Hangzhou Juno Genomics, Inc
Classification: Pathogenic for Finnish congenital nephrotic syndrome. Review status: criteria provided, single submitter. Criteria: ACMG Guidelines, 2015. Collection method: clinical testing. Allele origin: germline.
Comment: Absent from controls (or at extremely low frequency if recessive) in Genome Aggregation Database.;Null variant in a gene where loss of function (LOF) is a known mechanism of disease.;For recessive disorders, detected in trans with a pathogenic variant.;Patient's phenotype or family history is highly specific for a disease with a single genetic etiology.

Literature cited by the submitters: PubMed 11317351 (cited by Labcorp Genetics (formerly Invitae), Labcorp); PubMed 11854170 (cited by Labcorp Genetics (formerly Invitae), Labcorp); PubMed 12039988 (cited by Labcorp Genetics (formerly Invitae), Labcorp); PubMed 30594156 (cited by 3 submitters); PubMed 34247820 (cited by Natera, Inc. and Ambry Genetics); PubMed 34859019 (cited by Ambry Genetics).